The following is an entry in ClinVar:

NM_001378120.1(MBD5):c.55A>G (p.Ile19Val)

Gene: MBD5 (methyl-CpG binding domain protein 5; plus strand). Cytogenetic location: 2q23.1.
Variant type: single nucleotide variant.
Coding change: c.55A>G on transcript NM_001378120.1 (MANE Select); coding-DNA position 55, A replaced by G.
Protein change: p.Ile19Val; replaces isoleucine 19 with valine.
Molecular consequence: missense variant.
Genome position (GRCh38, 1-based): chr2:148,458,813, A>G. VCF-style: chr2-148458813-A-G. GRCh37 (hg19) VCF-style: chr2-149216382-A-G.
Other names: c.55A>G, p.Ile19Val (NM_018328.5); short protein forms I19V.
Identifiers: ClinVar variation 570971 (VCV000570971.11), dbSNP rs1559080667, ClinGen allele CA348715477.

ClinVar aggregate classification (germline): Uncertain significance (1 of 4 stars; one submission).

Conditions:
Intellectual developmental disorder, autosomal dominant 1. Also called: Intellectual disability, autosomal dominant 1; MBD5 Haploinsufficiency. Identifiers: Orphanet 228402, MedGen C1969562, MONDO:0007974, OMIM 156200.

Submission:

Labcorp Genetics (formerly Invitae), Labcorp
Classification: Uncertain significance for Intellectual developmental disorder, autosomal dominant 1. Last evaluated: 2019-07-26. Review status: criteria provided, single submitter. Criteria: Invitae Variant Classification Sherloc (09022015). Collection method: clinical testing. Allele origin: germline.
Comment: This sequence change replaces isoleucine with valine at codon 19 of the MBD5 protein (p.Ile19Val). The isoleucine residue is moderately conserved and there is a small physicochemical difference between isoleucine and valine. This variant is not present in population databases (ExAC no frequency). This variant has not been reported in the literature in individuals with MBD5-related disease. Algorithms developed to predict the effect of missense changes on protein structure and function output the following: SIFT: "Tolerated"; PolyPhen-2: "Benign"; Align-GVGD: "Class C0". The valine amino acid residue is found in multiple mammalian species, suggesting that this missense change does not adversely affect protein function. These predictions have not been confirmed by published functional studies and their clinical significance is uncertain. In summary, the available evidence is currently insufficient to determine the role of this variant in disease. Therefore, it has been classified as a Variant of Uncertain Significance.